The following is an entry in ClinVar:

ClinVar aggregate classification (germline): Uncertain significance (1 of 4 stars; one submission).

Conditions:
Immunodeficiency, common variable, 7. Identifiers: Orphanet 1572, Orphanet 696894, MedGen C3542922, MONDO:0013862, OMIM 614699.

Allele frequency attached by ClinVar (database versions not stated): gnomAD exomes 0.00001 and below 0.00001; TOPMed below 0.00001; ExAC 0.00001; gnomAD 0.00001.

Submission:

Labcorp Genetics (formerly Invitae), Labcorp
Classification: Uncertain significance for Immunodeficiency, common variable, 7. Last evaluated: 2019-04-23. Review status: criteria provided, single submitter. Criteria: Invitae Variant Classification Sherloc (09022015). Collection method: clinical testing. Allele origin: germline.
Comment: This sequence change results in a premature translational stop signal in the CR2 gene (p.Glu1007Glyfs*80). While this is not anticipated to result in nonsense mediated decay, it is expected to disrupt the last 86 amino acids of the CR2 protein. This variant is present in population databases (rs779475083, ExAC 0.002%). This variant has not been reported in the literature in individuals with CR2-related conditions. In summary, the available evidence is currently insufficient to determine the role of this variant in disease. Therefore, it has been classified as a Variant of Uncertain Significance.

NM_001006658.3(CR2):c.3017dup (p.Glu1007fs)

Gene: CR2 (complement C3d receptor 2; plus strand). Cytogenetic location: 1q32.2.
Variant type: Duplication.
Coding change: c.3017dup on transcript NM_001006658.3 (MANE Select); coding-DNA position 3017, one base duplicated (T; older notation c.3017dupT).
Protein change: p.Glu1007fs; shifts the reading frame from glutamic acid 1007.
Molecular consequence: frameshift variant.
Genome position (GRCh38, 1-based): chr1:207,477,999, T duplicated. VCF-style (leftmost placement, unchanged base first): chr1-207477998-C-CT. GRCh37 (hg19) VCF-style: chr1-207651343-C-CT.
Other names: c.2840dup, p.Glu948fs (NM_001877.5); short protein forms E1007fs, E948fs.
Identifiers: ClinVar variation 845842 (VCV000845842.5), dbSNP rs779475083, ClinGen allele CA1369103.
Genomic context (GRCh38, chr1:207,477,998, plus strand): 5'-CCAAGGAAAATGTATCAGTATGGAGCTGTTGTAACTCTGGAGTGTGAAGATGGGTATATG[C>CT]TGGAAGGCAGTCCCCAGAGCCAGTGCCAATCGGATCACCAATGGAACCCTCCCCTGGCGG-3'